The following is an entry in ClinVar:

ClinVar aggregate classification (germline): Uncertain significance (1 of 4 stars; one submission).

Submission:

Labcorp Genetics (formerly Invitae), Labcorp
Classification: Uncertain significance. Last evaluated: 2022-08-09. Review status: criteria provided, single submitter. Criteria: Invitae Variant Classification Sherloc (09022015). Collection method: clinical testing. Allele origin: germline.
Comment: In summary, the available evidence is currently insufficient to determine the role of this variant in disease. Therefore, it has been classified as a Variant of Uncertain Significance. Experimental studies and prediction algorithms are not available or were not evaluated, and the functional significance of this variant is currently unknown. This variant has not been reported in the literature in individuals affected with TNNI3K-related conditions. This variant results in a copy number gain of the genomic region encompassing exon(s) 1-11 of the TNNI3K gene. This region includes the initiator codon of the gene. This copy number gain extends beyond the assayed region for this gene and therefore may encompass additional genes. As the precise location of this event is unknown, it may be in tandem or it may be located elsewhere in the genome.

NC_000001.10:g.(?_74701136)_(74819833_?)dup

Genes: FPGT-TNNI3K (FPGT-TNNI3K readthrough; plus strand), TNNI3K (TNNI3 interacting kinase; plus strand). Cytogenetic location: 1p31.1.
Variant type: Duplication.
Identifiers: ClinVar variation 1375871 (VCV001375871.5).